The following is an entry in ClinVar:

NM_198578.4(LRRK2):c.2879-1G>C

Gene: LRRK2 (leucine rich repeat kinase 2; plus strand). Cytogenetic location: 12q12.
Variant type: single nucleotide variant.
Coding change: c.2879-1G>C on transcript NM_198578.4 (MANE Select); the canonical splice acceptor site of the intron before coding-DNA position 2879, G replaced by C.
Molecular consequence: splice acceptor variant.
Genome position (GRCh38, 1-based): chr12:40,295,426, G>C. VCF-style: chr12-40295426-G-C. GRCh37 (hg19) VCF-style: chr12-40689228-G-C.
Identifiers: ClinVar variation 2961314 (VCV002961314.3), dbSNP rs1424227058, ClinGen allele CA384412374.

ClinVar aggregate classification (germline): Uncertain significance (1 of 4 stars; one submission).

Conditions:
Autosomal dominant Parkinson disease 8. Also called: Parkinson disease 8, susceptibility to; LRRK2-Related Parkinson Disease; Parkinson disease 8. Identifiers: Orphanet 411602, MedGen C1846862, MONDO:0011764, OMIM 607060.

Allele frequency attached by ClinVar (database versions not stated): gnomAD exomes below 0.00001.
gnomAD v4.1: 4 of 1,610,750 alleles (0.00025%); highest among the groups gnomAD compares: Admixed American, 0.005%; no homozygotes.

Submission:

Labcorp Genetics (formerly Invitae), Labcorp
Classification: Uncertain significance for Autosomal dominant Parkinson disease 8. Last evaluated: 2023-12-20. Review status: criteria provided, single submitter. Criteria: Invitae Variant Classification Sherloc (09022015). Collection method: clinical testing. Allele origin: germline.
Comment: This sequence change affects an acceptor splice site in intron 22 of the LRRK2 gene. It is expected to disrupt RNA splicing. Variants that disrupt the donor or acceptor splice site typically lead to a loss of protein function (PMID: 16199547), however the current clinical and genetic evidence is not sufficient to establish whether loss-of-function variants in LRRK2 cause disease. The frequency data for this variant in the population databases is considered unreliable, as metrics indicate poor data quality at this position in the gnomAD database. This variant has not been reported in the literature in individuals affected with LRRK2-related conditions. Algorithms developed to predict the effect of sequence changes on RNA splicing suggest that this variant may disrupt the consensus splice site. In summary, the available evidence is currently insufficient to determine the role of this variant in disease. Therefore, it has been classified as a Variant of Uncertain Significance.

Literature cited by the submitters: PubMed 16199547.